The following is an entry in ClinVar:

ClinVar aggregate classification (germline): Uncertain significance (1 of 4 stars; one submission).

Allele frequency attached by ClinVar (database versions not stated): gnomAD 0.00001; TOPMed 0.00001.

Submission:

Labcorp Genetics (formerly Invitae), Labcorp
Classification: Uncertain significance. Last evaluated: 2022-10-24. Review status: criteria provided, single submitter. Criteria: Invitae Variant Classification Sherloc (09022015). Collection method: clinical testing. Allele origin: germline.
Comment: In summary, the available evidence is currently insufficient to determine the role of this variant in disease. Therefore, it has been classified as a Variant of Uncertain Significance. Algorithms developed to predict the effect of missense changes on protein structure and function output the following: SIFT: "Tolerated"; PolyPhen-2: "Benign"; Align-GVGD: "Class C0". The leucine amino acid residue is found in multiple mammalian species, which suggests that this missense change does not adversely affect protein function. ClinVar contains an entry for this variant (Variation ID: 1056163). This variant has not been reported in the literature in individuals affected with NEXMIF-related conditions. This variant is not present in population databases (gnomAD no frequency). This sequence change replaces methionine, which is neutral and non-polar, with leucine, which is neutral and non-polar, at codon 131 of the NEXMIF protein (p.Met131Leu).

NM_001008537.3(NEXMIF):c.391A>C (p.Met131Leu)

Gene: NEXMIF (neurite extension and migration factor; minus strand). Cytogenetic location: Xq13.3.
Variant type: single nucleotide variant.
Coding change: c.391A>C on transcript NM_001008537.3 (MANE Select); coding-DNA position 391, A replaced by C.
Protein change: p.Met131Leu; replaces methionine 131 with leucine.
Molecular consequence: missense variant.
Genome position (GRCh38, 1-based): chrX:74,744,166, T>G on the plus strand (A>C on the coding strand, the complement: NEXMIF is on the minus strand). VCF-style: chrX-74744166-T-G. GRCh37 (hg19) VCF-style: chrX-73964001-T-G.
Other names: short protein forms M131L.
Identifiers: ClinVar variation 1056163 (VCV001056163.9), dbSNP rs1035850008, ClinGen allele CA331301813.
Genomic context (GRCh38, chrX:74,744,166, plus strand): 5'-TGAAGCAGCCTAAGCAAGTCCGACTTGGCTGCATGAGACAGTCCCCATTCAGAGCTGACA[T>G]GCCTGCAGGCTCCATTATGGCAAATGGAGCTTTCTCACATTCATTGGGAAGTGACCATGT-3'
Protein context (NP_001008537.1, residues 121-141): APFAIMEPAG[Met131Leu]SALNGDCLMQ